The following is an entry in ClinVar:

ClinVar aggregate classification (germline): Uncertain significance (1 of 4 stars; one submission).

Submission:

CeGaT Center for Human Genetics Tuebingen
Classification: Uncertain significance. Last evaluated: 2026-01-01. Review status: criteria provided, single submitter. Criteria: CeGaT Center For Human Genetics Tuebingen Variant Classification Criteria Version 2. Collection method: clinical testing. Allele origin: germline. Affected: yes. Observed: 1 variant allele.
Comment: L1CAM: PM2, BP4

NM_001278116.2(L1CAM):c.424A>G (p.Thr142Ala)

Gene: L1CAM (L1 cell adhesion molecule; minus strand). Cytogenetic location: Xq28.
Variant type: single nucleotide variant.
Coding change: c.424A>G on transcript NM_001278116.2 (MANE Select); coding-DNA position 424, A replaced by G.
Protein change: p.Thr142Ala; replaces threonine 142 with alanine.
Molecular consequence: missense variant.
Genome position (GRCh38, 1-based): chrX:153,871,156, T>C on the plus strand (A>G on the coding strand, the complement: L1CAM is on the minus strand). VCF-style: chrX-153871156-T-C. GRCh37 (hg19) VCF-style: chrX-153136611-T-C.
Other names: c.424A>G, p.Thr142Ala (NM_000425.5, NM_024003.3); c.409A>G, p.Thr137Ala (NM_001143963.2); short protein forms T137A, T142A.
Identifiers: ClinVar variation 4822822 (VCV004822822.4).